The following is an entry in ClinVar:

ClinVar aggregate classification (germline): Uncertain significance. Review status: criteria provided, multiple submitters, no conflicts (2 of 4 stars). 3 submissions from 3 submitters: Uncertain significance (2). 1 of the submissions does not count toward it. Last evaluated 2024-12-05.

Conditions:
Autosomal recessive Alport syndrome (ATS2). Also called: Alport syndrome type 2; ALPORT SYNDROME 2, AUTOSOMAL RECESSIVE; COL4A4 Alport Syndrome and Thin Basement Membrane Nephropathy; COL4A3-Related Nephropathy. Identifiers: Orphanet 63, Orphanet 88919, MedGen C4746745, MONDO:0008762, OMIM 203780.
Hematuria, benign familial, 1 (BFH1). Also called: THIN MEMBRANE NEPHROPATHY. Identifiers: MedGen CN376803, MONDO:0007709, OMIM 141200.
Alport syndrome. Also called: Hemorrhagic familial nephritis; Hemorrhagic hereditary nephritis; Congenital hereditary hematuria. Identifiers: Orphanet 63, MedGen C1567741, MONDO:0018965.

Allele frequency attached by ClinVar (database versions not stated): ExAC 0.00001; gnomAD 0.00001; TOPMed 0.00001; gnomAD exomes 0.00002.
gnomAD v4.1: 31 of 1,613,524 alleles (0.0019%); highest among the groups gnomAD compares: South Asian, 0.0033%; no homozygotes.

Submissions (3):

Labcorp Genetics (formerly Invitae), Labcorp
Classification: Uncertain significance. Last evaluated: 2024-12-05. Review status: criteria provided, single submitter. Criteria: Invitae Variant Classification Sherloc (09022015). Collection method: clinical testing. Allele origin: germline.
Comment: This sequence change replaces proline, which is neutral and non-polar, with leucine, which is neutral and non-polar, at codon 245 of the COL4A4 protein (p.Pro245Leu). This variant is present in population databases (rs770011392, gnomAD 0.003%). This missense change has been observed in individual(s) with clinical features of focal and segmental glomerulosclerosis (PMID: 31308072). ClinVar contains an entry for this variant (Variation ID: 1000181). An algorithm developed to predict the effect of missense changes on protein structure and function (PolyPhen-2) suggests that this variant is likely to be tolerated. In summary, the available evidence is currently insufficient to determine the role of this variant in disease. Therefore, it has been classified as a Variant of Uncertain Significance.

Fulgent Genetics
Classification: Uncertain significance for Hematuria, benign familial, 1; Autosomal recessive Alport syndrome. Last evaluated: 2024-02-14. Review status: criteria provided, single submitter. Criteria: ACMG Guidelines, 2015. Collection method: clinical testing. Allele origin: germline.

Natera, Inc.
Classification: Uncertain significance for Alport syndrome. Last evaluated: 2020-02-21. Review status: no assertion criteria provided. Collection method: clinical testing. Allele origin: germline. Not counted in ClinVar's aggregate classification.

Literature cited by the submitters: PubMed 31308072 (cited by Labcorp Genetics (formerly Invitae), Labcorp).

NM_000092.5(COL4A4):c.734C>T (p.Pro245Leu)

Gene: COL4A4 (collagen type IV alpha 4 chain; minus strand). Cytogenetic location: 2q36.3.
Variant type: single nucleotide variant.
Coding change: c.734C>T on transcript NM_000092.5 (MANE Select); coding-DNA position 734, C replaced by T.
Protein change: p.Pro245Leu; replaces proline 245 with leucine.
Molecular consequence: missense variant.
Genome position (GRCh38, 1-based): chr2:227,108,582, G>A on the plus strand (C>T on the coding strand, the complement: COL4A4 is on the minus strand). VCF-style: chr2-227108582-G-A. GRCh37 (hg19) VCF-style: chr2-227973298-G-A.
Other names: short protein forms P245L.
Identifiers: ClinVar variation 1000181 (VCV001000181.7), dbSNP rs770011392, ClinGen allele CA2145478.